The following is an entry in ClinVar:

ClinVar aggregate classification (germline): Likely pathogenic. Review status: criteria provided, multiple submitters, no conflicts (2 of 4 stars). 2 submissions from 2 submitters: Likely pathogenic (2). Last evaluated 2025-01-09.

Conditions:
PMM2-congenital disorder of glycosylation. Also called: PMM2-CDG; CDG Ia; JAEKEN SYNDROME; Congenital disorder of glycosylation, type Ia; PHOSPHOMANNOMUTASE 2 DEFICIENCY; CARBOHYDRATE-DEFICIENT GLYCOPROTEIN SYNDROME, TYPE Ia. Identifiers: Orphanet 79318, MedGen C0349653, MONDO:0008907, OMIM 212065.

gnomAD v4.1: 2 of 1,614,108 alleles (0.00012%); highest among the groups gnomAD compares: Non-Finnish European, 0.00017%; no homozygotes.

Submissions (2):

Natera, Inc.
Classification: Likely pathogenic for Congenital disorder of glycosylation type 1a. Last evaluated: 2025-01-09. Review status: criteria provided, single submitter. Criteria: Natera Variant Classification Schema (03/2026). Collection method: clinical testing. Allele origin: germline.
Comment: The c.687C>A variant in PMM2 is a nonsense variant predicted to introduce a stop codon at amino acid 229. This variant is expected to result in nonsense mediated decay, truncation, or a dysfunctional protein product. This variant is rare in the general population with a frequency below the threshold expected for the associated phenotype(s). Given the available evidence, this variant is classified as Likely Pathogenic.

Baylor Genetics
Classification: Likely pathogenic for PMM2-congenital disorder of glycosylation. Last evaluated: 2023-11-27. Review status: criteria provided, single submitter. Criteria: ACMG Guidelines, 2015. Collection method: clinical testing. Allele origin: unknown.

NM_000303.3(PMM2):c.687C>A (p.Tyr229Ter)

Gene: PMM2 (phosphomannomutase 2; plus strand). Cytogenetic location: 16p13.2.
Variant type: single nucleotide variant.
Coding change: c.687C>A on transcript NM_000303.3 (MANE Select); coding-DNA position 687, C replaced by A.
Protein change: p.Tyr229Ter; replaces tyrosine 229 with a stop codon.
Molecular consequence: nonsense.
Genome position (GRCh38, 1-based): chr16:8,847,771, C>A. VCF-style: chr16-8847771-C-A. GRCh37 (hg19) VCF-style: chr16-8941628-C-A.
Other names: c.687C>A (NM_000303.2); short protein forms Y229*.
Identifiers: ClinVar variation 2677897 (VCV002677897.4), dbSNP rs148759949, ClinGen allele CA394689553.